The following is an entry in ClinVar:

ClinVar aggregate classification (germline): Uncertain significance (1 of 4 stars; one submission).

Conditions:
Pulmonary hypertension, primary, 4. Identifiers: Orphanet 422, MedGen C3809198, MONDO:0014136, OMIM 615344.

Submission:

Labcorp Genetics (formerly Invitae), Labcorp
Classification: Uncertain significance for Pulmonary hypertension, primary, 4. Last evaluated: 2018-05-01. Review status: criteria provided, single submitter. Criteria: Invitae Variant Classification Sherloc (09022015). Collection method: clinical testing. Allele origin: germline.
Comment: In summary, the available evidence is currently insufficient to determine the role of this variant in disease. Therefore, it has been classified as a Variant of Uncertain Significance. Experimental studies and prediction algorithms are not available for this variant, and the functional significance of the duplicated amino acid(s) is currently unknown. This variant has not been reported in the literature in individuals with KCNK3-related disease. This variant is not present in population databases (ExAC no frequency). This variant, c.646_651dupACGCAG, results in the insertion of 2 amino acid(s) to the KCNK3 protein (p.Thr216_Gln217dup), but otherwise preserves the integrity of the reading frame.

NM_002246.3(KCNK3):c.646_651dup (p.Thr216_Gln217dup)

Gene: KCNK3 (potassium two pore domain channel subfamily K member 3; plus strand). Cytogenetic location: 2p23.3.
Variant type: Duplication.
Coding change: c.646_651dup on transcript NM_002246.3 (MANE Select); coding-DNA positions 646 to 651, 6 bases duplicated (ACGCAG; older notation c.646_651dupACGCAG).
Protein change: p.Thr216_Gln217dup.
Molecular consequence: inframe insertion.
Genome position (GRCh38, 1-based): chr2:26,728,029-26,728,034, ACGCAG duplicated; duplicating any 6 consecutive bases within chr2:26,728,025-26,728,034 gives the same sequence; the c. name uses the placement nearest the transcript's 3' end. VCF-style (leftmost placement, unchanged base first): chr2-26728024-T-TGCAGAC. GRCh37 (hg19) VCF-style: chr2-26950892-T-TGCAGAC.
Other names: c.646_651dupACGCAG (NM_002246.2).
Identifiers: ClinVar variation 580894 (VCV000580894.8), dbSNP rs1558604795, ClinGen allele CA891842992.